The following is an entry in ClinVar:

NM_001134407.3(GRIN2A):c.*1474T>C

Gene: GRIN2A (glutamate ionotropic receptor NMDA type subunit 2A; minus strand). Cytogenetic location: 16p13.2.
Variant type: single nucleotide variant.
Coding change: c.*1474T>C on transcript NM_001134407.3 (MANE Select); 1474 bases downstream of the stop codon, T replaced by C.
Molecular consequence: 3 prime UTR variant.
Genome position (GRCh38, 1-based): chr16:9,761,675, A>G on the plus strand (T>C on the coding strand, the complement: GRIN2A is on the minus strand). VCF-style: chr16-9761675-A-G. GRCh37 (hg19) VCF-style: chr16-9855532-A-G.
Other names: c.*1474T>C (NM_000833.5); c.*1680T>C (NM_001134408.2).
Identifiers: ClinVar variation 321579 (VCV000321579.5), dbSNP rs144327233, ClinGen allele CA10648491.
Genomic context (GRCh38, chr16:9,761,675, plus strand): 5'-TCATAACATAGCAACTATCTTGTCGGGGGCACTTGTTTTTGTGGCAGGCACTGTGCTAAC[A>G]GGCTCCCCATGCATAAGTATTCCCCTCTCTGTCTCTAACTTAAAAAAAAAATGGATATCA-3'

ClinVar aggregate classification (germline): Benign (1 of 4 stars; one submission).

Conditions:
Landau-Kleffner syndrome (FESD). Also called: EPILEPSY, FOCAL, WITH SPEECH DISORDER AND WITH OR WITHOUT MENTAL RETARDATION; APHASIA, ACQUIRED, WITH EPILEPSY. Identifiers: Orphanet 1945, Orphanet 725, Orphanet 98818, MedGen C0282512, MONDO:0009509, OMIM 245570.

Allele frequency attached by ClinVar (database versions not stated): 1000 Genomes Project 0.00839; 1000 Genomes Project 30x 0.00859; gnomAD 0.00895 and 0.00827; gnomAD exomes 0.00146; TOPMed 0.00968.
gnomAD v4.1: 1,371 of 227,768 alleles (0.6%); highest among the groups gnomAD compares: African/African-American, 2.8%; 13 homozygotes.

Submission:

Illumina Laboratory Services, Illumina
Classification: Benign for Landau-Kleffner syndrome. Last evaluated: 2018-01-13. Review status: criteria provided, single submitter. Criteria: ICSL Variant Classification Criteria 13 December 2019. Collection method: clinical testing. Allele origin: germline.
Comment: This variant was observed in the ICSL laboratory as part of a predisposition screen in an ostensibly healthy population. It had not been previously curated by ICSL or reported in the Human Gene Mutation Database (HGMD: prior to June 1st, 2018), and was therefore a candidate for classification through an automated scoring system. Utilizing variant allele frequency, disease prevalence and penetrance estimates, and inheritance mode, an automated score was calculated to assess if this variant is too frequent to cause the disease. Based on the score and internal cut-off values, a variant classified as benign is not then subjected to further curation. The score for this variant resulted in a classification of benign for this disease.